The following is an entry in ClinVar:

NM_001144967.3(NEDD4L):c.857C>T (p.Ser286Phe)

Gene: NEDD4L (NEDD4 like E3 ubiquitin protein ligase; plus strand). Cytogenetic location: 18q21.31.
Variant type: single nucleotide variant.
Coding change: c.857C>T on transcript NM_001144967.3 (MANE Select); coding-DNA position 857, C replaced by T.
Protein change: p.Ser286Phe; replaces serine 286 with phenylalanine.
Molecular consequence: missense variant.
Genome position (GRCh38, 1-based): chr18:58,330,781, C>T. VCF-style: chr18-58330781-C-T. GRCh37 (hg19) VCF-style: chr18-55998013-C-T.
Other names: c.494C>T, p.Ser165Phe (NM_001144964.1, NM_001144965.2, NM_001144966.3 and 2 more transcripts); c.833C>T, p.Ser278Phe (NM_001144968.2, NM_001144969.2); c.857C>T, p.Ser286Phe (NM_001243960.2, NM_015277.6); short protein forms S165F, S278F, S286F.
Identifiers: ClinVar variation 1910659 (VCV001910659.5), dbSNP rs1170185787, ClinGen allele CA402555492.

ClinVar aggregate classification (germline): Uncertain significance (1 of 4 stars; one submission).

Allele frequency attached by ClinVar (database versions not stated): gnomAD exomes below 0.00001.
gnomAD v4.1: 2 of 1,612,680 alleles (0.00012%); highest among the groups gnomAD compares: East Asian, 0.0022%; no homozygotes.

Submission:

Labcorp Genetics (formerly Invitae), Labcorp
Classification: Uncertain significance. Last evaluated: 2022-09-01. Review status: criteria provided, single submitter. Criteria: Invitae Variant Classification Sherloc (09022015). Collection method: clinical testing. Allele origin: germline.
Comment: This variant is present in population databases (no rsID available, gnomAD 0.0009%). In summary, the available evidence is currently insufficient to determine the role of this variant in disease. Therefore, it has been classified as a Variant of Uncertain Significance. Algorithms developed to predict the effect of missense changes on protein structure and function are either unavailable or do not agree on the potential impact of this missense change (SIFT: "Deleterious"; PolyPhen-2: "Possibly Damaging"; Align-GVGD: "Class C15"). This variant has not been reported in the literature in individuals affected with NEDD4L-related conditions. This sequence change replaces serine, which is neutral and polar, with phenylalanine, which is neutral and non-polar, at codon 286 of the NEDD4L protein (p.Ser286Phe).